The following is an entry in ClinVar:

ClinVar aggregate classification (germline): Uncertain significance (1 of 4 stars; one submission).

Conditions:
Werner syndrome (WRN). Identifiers: Orphanet 902, MedGen C0043119, MONDO:0010196, OMIM 277700.

Allele frequency attached by ClinVar (database versions not stated): gnomAD 0.00001; TOPMed 0.00001.
gnomAD v4.1: 2 of 1,613,922 alleles (0.00012%); highest among the groups gnomAD compares: African/African-American, 0.0027%; no homozygotes.

Submission:

Labcorp Genetics (formerly Invitae), Labcorp
Classification: Uncertain significance for Werner syndrome. Last evaluated: 2022-10-02. Review status: criteria provided, single submitter. Criteria: Invitae Variant Classification Sherloc (09022015). Collection method: clinical testing. Allele origin: germline.
Comment: Algorithms developed to predict the effect of sequence changes on RNA splicing suggest that this variant may disrupt the consensus splice site. This variant has not been reported in the literature in individuals affected with WRN-related conditions. In summary, the available evidence is currently insufficient to determine the role of this variant in disease. Therefore, it has been classified as a Variant of Uncertain Significance. This variant is present in population databases (no rsID available, gnomAD 0.02%). This sequence change affects codon 1072 of the WRN mRNA. It is a 'silent' change, meaning that it does not change the encoded amino acid sequence of the WRN protein.

NM_000553.6(WRN):c.3216G>A (p.Lys1072=)

Gene: WRN (WRN RecQ like helicase; plus strand). Cytogenetic location: 8p12.
Variant type: single nucleotide variant.
Coding change: c.3216G>A on transcript NM_000553.6 (MANE Select); coding-DNA position 3216, G replaced by A.
Protein change: p.Lys1072=; no amino-acid change (lysine 1072 retained).
Molecular consequence: synonymous variant.
Genome position (GRCh38, 1-based): chr8:31,141,758, G>A. VCF-style: chr8-31141758-G-A. GRCh37 (hg19) VCF-style: chr8-30999274-G-A.
Identifiers: ClinVar variation 2170353 (VCV002170353.4), dbSNP rs1472046605, ClinGen allele CA460488514.